The following is an entry in ClinVar:

ClinVar aggregate classification (germline): Uncertain significance (1 of 4 stars; one submission).

Submission:

GeneDx
Classification: Uncertain significance. Last evaluated: 2025-12-15. Review status: criteria provided, single submitter. Criteria: GeneDx Variant Classification Process June 2021. Collection method: clinical testing. Allele origin: germline.
Comment: Not observed at significant frequency in large population cohorts (gnomAD); In silico analysis supports that this missense variant has a deleterious effect on protein structure/function; Has not been previously published as pathogenic or benign to our knowledge

NM_001365902.3(NFIX):c.581C>T (p.Ser194Leu)

Gene: NFIX (nuclear factor I X; plus strand). Cytogenetic location: 19p13.13.
Variant type: single nucleotide variant.
Coding change: c.581C>T on transcript NM_001365902.3 (MANE Select); coding-DNA position 581, C replaced by T.
Protein change: p.Ser194Leu; replaces serine 194 with leucine.
Molecular consequence: missense variant.
Genome position (GRCh38, 1-based): chr19:13,073,068, C>T. VCF-style: chr19-13073068-C-T. GRCh37 (hg19) VCF-style: chr19-13183882-C-T.
Other names: c.605C>T, p.Ser202Leu (NM_001271043.2); c.557C>T, p.Ser186Leu (NM_001271044.3, NM_001378404.1); c.581C>T, p.Ser194Leu (NM_001365982.2, NM_002501.4); c.440C>T, p.Ser147Leu (NM_001365983.2); c.578C>T, p.Ser193Leu (NM_001365984.2, NM_001365985.2); c.629C>T, p.Ser210Leu (NM_001378405.1); short protein forms S147L, S186L, S193L, S194L, S202L, S210L.
Identifiers: ClinVar variation 3359995 (VCV003359995.2).